The following is an entry in ClinVar:

NM_032043.3(BRIP1):c.1330A>G (p.Ser444Gly)

Gene: BRIP1 (BRCA1 interacting DNA helicase 1; minus strand). Cytogenetic location: 17q23.2.
Variant type: single nucleotide variant.
Coding change: c.1330A>G on transcript NM_032043.3 (MANE Select); coding-DNA position 1330, A replaced by G.
Protein change: p.Ser444Gly; replaces serine 444 with glycine.
Molecular consequence: missense variant.
Genome position (GRCh38, 1-based): chr17:61,799,110, T>C on the plus strand (A>G on the coding strand, the complement: BRIP1 is on the minus strand). VCF-style: chr17-61799110-T-C. GRCh37 (hg19) VCF-style: chr17-59876471-T-C.
Other names: short protein forms S444G.
Identifiers: ClinVar variation 1770132 (VCV001770132.6), dbSNP rs2145299801, ClinGen allele CA400483343.

ClinVar aggregate classification (germline): Uncertain significance. Review status: criteria provided, multiple submitters, no conflicts (2 of 4 stars). 3 submissions from 3 submitters: Uncertain significance (3). Last evaluated 2025-09-22.

Conditions:
Fanconi anemia complementation group J. Also called: BRIP1-Related Fanconi Anemia. Identifiers: Orphanet 84, MedGen C1836860, MONDO:0012187, OMIM 609054.
Familial cancer of breast. Also called: BREAST CANCER, FAMILIAL; Hereditary breast cancer; hereditary breast carcinoma. Identifiers: Orphanet 227535, MedGen C0346153, MONDO:0016419, OMIM 114480. Disease mechanism: loss of function.
Hereditary cancer-predisposing syndrome. Also called: Tumor predisposition; Neoplastic Syndromes, Hereditary; Hereditary Cancer Syndrome; Hereditary neoplastic syndrome. Identifiers: Orphanet 140162, MedGen C0027672, MeSH D009386, MONDO:0015356.

Submissions (3):

Color Diagnostics, LLC DBA Color Health
Classification: Uncertain significance for Hereditary cancer-predisposing syndrome. Last evaluated: 2025-09-22. Review status: criteria provided, single submitter. Criteria: ACMG Guidelines, 2015. Collection method: clinical testing. Allele origin: germline.
Comment: This missense variant replaces serine with glycine at codon 444 of the BRIP1 protein. Computational prediction suggests that this variant may not impact protein structure and function. To our knowledge, functional studies have not been reported for this variant. This variant has not been reported in individuals affected with BRIP1-related disorders in the literature. This variant has not been identified in the general population by the Genome Aggregation Database (gnomAD). The available evidence is insufficient to determine the role of this variant in disease conclusively. Therefore, this variant is classified as a Variant of Uncertain Significance.

Labcorp Genetics (formerly Invitae), Labcorp
Classification: Uncertain significance for Familial cancer of breast; Fanconi anemia complementation group J. Last evaluated: 2023-09-19. Review status: criteria provided, single submitter. Criteria: Invitae Variant Classification Sherloc (09022015). Collection method: clinical testing. Allele origin: germline.
Comment: This sequence change replaces serine, which is neutral and polar, with glycine, which is neutral and non-polar, at codon 444 of the BRIP1 protein (p.Ser444Gly). This variant is not present in population databases (gnomAD no frequency). This variant has not been reported in the literature in individuals affected with BRIP1-related conditions. ClinVar contains an entry for this variant (Variation ID: 1770132). Algorithms developed to predict the effect of missense changes on protein structure and function output the following: SIFT: "Not Available"; PolyPhen-2: "Benign"; Align-GVGD: "Not Available". The glycine amino acid residue is found in multiple mammalian species, which suggests that this missense change does not adversely affect protein function. In summary, the available evidence is currently insufficient to determine the role of this variant in disease. Therefore, it has been classified as a Variant of Uncertain Significance.

Ambry Genetics
Classification: Uncertain significance for Hereditary cancer-predisposing syndrome. Last evaluated: 2021-04-06. Review status: criteria provided, single submitter. Criteria: Ambry Variant Classification Scheme 2023. Collection method: clinical testing. Allele origin: germline.
Comment: The p.S444G variant (also known as c.1330A>G), located in coding exon 8 of the BRIP1 gene, results from an A to G substitution at nucleotide position 1330. The serine at codon 444 is replaced by glycine, an amino acid with similar properties. This amino acid position is well conserved in available vertebrate species. In addition, this alteration is predicted to be tolerated by in silico analysis. Since supporting evidence is limited at this time, the clinical significance of this alteration remains unclear.